The following is an entry in ClinVar:

ClinVar aggregate classification (germline): Pathogenic (1 of 4 stars; one submission).

Conditions:
Duchenne muscular dystrophy (DMD). Also called: MUSCULAR DYSTROPHY, PSEUDOHYPERTROPHIC PROGRESSIVE, DUCHENNE TYPE; Duchenne Muscular Dystrophy (DMD). Identifiers: Orphanet 98896, MedGen C0013264, MONDO:0010679, OMIM 310200.

Submission:

Labcorp Genetics (formerly Invitae), Labcorp
Classification: Pathogenic for Duchenne muscular dystrophy. Last evaluated: 2020-07-24. Review status: criteria provided, single submitter. Criteria: Invitae Variant Classification Sherloc (09022015). Collection method: clinical testing. Allele origin: germline.
Comment: This variant is not present in population databases (ExAC no frequency). This sequence change creates a premature translational stop signal (p.Gln1462*) in the DMD gene. It is expected to result in an absent or disrupted protein product. This variant has been observed in individual(s) with DMD-related conditions (PMID: 19783145). Loss-of-function variants in DMD are known to be pathogenic (PMID: 16770791, 25007885). For these reasons, this variant has been classified as Pathogenic.

Literature cited by the submitters: PubMed 19783145; PubMed 16770791; PubMed 25007885.

NM_004006.3(DMD):c.4384C>T (p.Gln1462Ter)

Gene: DMD (dystrophin; minus strand). Cytogenetic location: Xp21.1.
Variant type: single nucleotide variant.
Coding change: c.4384C>T on transcript NM_004006.3 (MANE Select); coding-DNA position 4384, C replaced by T.
Protein change: p.Gln1462Ter; replaces glutamine 1462 with a stop codon.
Molecular consequence: nonsense.
Genome position (GRCh38, 1-based): chrX:32,389,635, G>A on the plus strand (C>T on the coding strand, the complement: DMD is on the minus strand). VCF-style: chrX-32389635-G-A. GRCh37 (hg19) VCF-style: chrX-32407752-G-A.
Other names: c.4360C>T, p.Gln1454Ter (NM_000109.4); c.4372C>T, p.Gln1458Ter (NM_004009.3); c.4015C>T, p.Gln1339Ter (NM_004010.3); c.361C>T, p.Gln121Ter (NM_004011.4); c.352C>T, p.Gln118Ter (NM_004012.4); short protein forms Q118*, Q121*, Q1339*, Q1454*, Q1458*, Q1462*.
Identifiers: ClinVar variation 1075942 (VCV001075942.10), dbSNP rs2147613231, ClinGen allele CA412663679.
Genomic context (GRCh38, chrX:32,389,635, plus strand): 5'-TCACTTCATCTAAAATCATCTTACTTTCTTGTAGACGCTGCTCAAAATTGGCTGGTTTCT[G>A]GAATAATCGAAACTTCATGGAGACATCTTGTAATTTTTTCTGTAAGGACAGTGTAAAAAG-3'